The following is an entry in ClinVar:

NM_025132.4(WDR19):c.3367C>T (p.Arg1123Trp)

Gene: WDR19 (WD repeat domain 19; plus strand). Cytogenetic location: 4p14.
Variant type: single nucleotide variant.
Coding change: c.3367C>T on transcript NM_025132.4 (MANE Select); coding-DNA position 3367, C replaced by T.
Protein change: p.Arg1123Trp; replaces arginine 1123 with tryptophan.
Molecular consequence: missense variant.
Genome position (GRCh38, 1-based): chr4:39,269,984, C>T. VCF-style: chr4-39269984-C-T. GRCh37 (hg19) VCF-style: chr4-39271604-C-T.
Other names: c.2887C>T, p.Arg963Trp (NM_001317924.2); c.3367C>T (NM_025132.3); short protein forms R1123W, R963W.
Identifiers: ClinVar variation 1440172 (VCV001440172.6), dbSNP rs369310189, ClinGen allele CA2892356.

ClinVar aggregate classification (germline): Uncertain significance. Review status: criteria provided, multiple submitters, no conflicts (2 of 4 stars). 4 submissions from 4 submitters: Uncertain significance (4). Last evaluated 2024-01-22.

Conditions:
Nephronophthisis 13 (NPHP13). Identifiers: Orphanet 655, MedGen C3280612, MONDO:0013718, OMIM 614377.
Spermatogenic failure 72 (SPGF72). Identifiers: MedGen C5676980, MONDO:0030809, OMIM 619867.
Senior-Loken syndrome 8 (SLSN8). Identifiers: Orphanet 3156, MedGen C4225376, MONDO:0014579, OMIM 616307.
Asphyxiating thoracic dystrophy 5 (SRTD5). Also called: SHORT-RIB THORACIC DYSPLASIA 5 WITH OR WITHOUT POLYDACTYLY; SHORT-RIB THORACIC DYSPLASIA 5 WITHOUT POLYDACTYLY. Identifiers: Orphanet 474, MedGen C3280598, MONDO:0013717, OMIM 614376.
Cranioectodermal dysplasia 4 (CED4). Identifiers: Orphanet 1515, MedGen C3280616, MONDO:0013719, OMIM 614378.
Inborn genetic diseases. Identifiers: MedGen C0950123, MeSH D030342.

Allele frequency attached by ClinVar (database versions not stated): ExAC 0.00001; gnomAD exomes 0.00001; TOPMed 0.00001; ESP Exome Variant Server 0.00008.
gnomAD v4.1: 22 of 1,613,468 alleles (0.0014%); highest among the groups gnomAD compares: Middle Eastern, 0.017%; no homozygotes.

Submissions (4):

Fulgent Genetics
Classification: Uncertain significance for Asphyxiating thoracic dystrophy 5; Nephronophthisis 13; Cranioectodermal dysplasia 4; Senior-Loken syndrome 8; Spermatogenic failure 72. Last evaluated: 2024-01-22. Review status: criteria provided, single submitter. Criteria: ACMG Guidelines, 2015. Collection method: clinical testing. Allele origin: germline.

Ambry Genetics
Classification: Uncertain significance for Inborn genetic diseases. Last evaluated: 2023-07-19. Review status: criteria provided, single submitter. Criteria: Ambry Variant Classification Scheme 2023. Collection method: clinical testing. Allele origin: germline.

Labcorp Genetics (formerly Invitae), Labcorp
Classification: Uncertain significance for Senior-Loken syndrome 8; Asphyxiating thoracic dystrophy 5. Last evaluated: 2022-06-27. Review status: criteria provided, single submitter. Criteria: Invitae Variant Classification Sherloc (09022015). Collection method: clinical testing. Allele origin: germline.
Comment: This sequence change replaces arginine, which is basic and polar, with tryptophan, which is neutral and slightly polar, at codon 1123 of the WDR19 protein (p.Arg1123Trp). This variant is present in population databases (rs369310189, gnomAD 0.002%). This variant has not been reported in the literature in individuals affected with WDR19-related conditions. Algorithms developed to predict the effect of missense changes on protein structure and function (SIFT, PolyPhen-2, Align-GVGD) all suggest that this variant is likely to be disruptive. In summary, the available evidence is currently insufficient to determine the role of this variant in disease. Therefore, it has been classified as a Variant of Uncertain Significance.

Blueprint Genetics
Classification: Uncertain significance. Last evaluated: 2020-01-29. Review status: criteria provided, single submitter. Criteria: ACMG Guidelines, 2015. Collection method: clinical testing. Allele origin: germline.